The following is an entry in ClinVar:

NM_000053.4(ATP7B):c.3206A>T (p.His1069Leu)

Gene: ATP7B (ATPase copper transporting beta; minus strand). Cytogenetic location: 13q14.3.
Variant type: single nucleotide variant.
Coding change: c.3206A>T on transcript NM_000053.4 (MANE Select); coding-DNA position 3206, A replaced by T.
Protein change: p.His1069Leu; replaces histidine 1069 with leucine.
Molecular consequence: missense variant.
Genome position (GRCh38, 1-based): chr13:51,944,146, T>A on the plus strand (A>T on the coding strand, the complement: ATP7B is on the minus strand). VCF-style: chr13-51944146-T-A. GRCh37 (hg19) VCF-style: chr13-52518282-T-A.
Other names: c.2876A>T, p.His959Leu (NM_001406536.1, NM_001406535.1); c.2867A>T, p.His956Leu (NM_001406537.1); c.2972A>T, p.His991Leu (NM_001406538.1, NM_001330578.2, NM_001406527.1 and 1 more transcripts); c.2777A>T, p.His926Leu (NM_001406539.1); c.2759A>T, p.His920Leu (NM_001406540.1); c.2720A>T, p.His907Leu (NM_001406541.1, NM_001406542.1); c.2858A>T, p.His953Leu (NM_001406543.1); c.2624A>T, p.His875Leu (NM_001406544.1); and 18 more; short protein forms H1010L, H1037L, H788L, H842L, H853L, H920L, H956L, H991L.
Identifiers: ClinVar variation 2120118 (VCV002120118.4), dbSNP rs201738147, ClinGen allele CA388029880.
Genomic context (GRCh38, chr13:51,944,146, plus strand): 5'-GGGCCACGCCCAAGTCCACGTACCTCTTTACAGTATTTGGTGACTGCCACGCCCAAGGGG[T>A]GTTCACTGCTGGCCTCCGCAGTCCCCACCACAGCCAGAACCTTCCTGAGGGGCAGTGTGG-3'
Protein context (NP_000044.2, residues 1059-1079): VVGTAEASSE[His1069Leu]PLGVAVTKYC

ClinVar aggregate classification (germline): Likely pathogenic (1 of 4 stars; one submission).

Conditions:
Wilson disease (WND). Also called: Wilson's disease. Identifiers: Orphanet 905, MedGen C0019202, MONDO:0010200, OMIM 277900. Disease mechanism: loss of function.

Submission:

Labcorp Genetics (formerly Invitae), Labcorp
Classification: Likely pathogenic for Wilson disease. Last evaluated: 2022-06-09. Review status: criteria provided, single submitter. Criteria: Invitae Variant Classification Sherloc (09022015). Collection method: clinical testing. Allele origin: germline.
Comment: In summary, the currently available evidence indicates that the variant is pathogenic, but additional data are needed to prove that conclusively. Therefore, this variant has been classified as Likely Pathogenic. This variant disrupts the p.His1069 amino acid residue in ATP7B. Other variant(s) that disrupt this residue have been determined to be pathogenic (PMID: 8298641, 9724794, 9887381, 18311837, 19937698, 22221592, 22240481, 22286624, 22720308, 24897373, 24909901). This suggests that this residue is clinically significant, and that variants that disrupt this residue are likely to be disease-causing. Advanced modeling of protein sequence and biophysical properties (such as structural, functional, and spatial information, amino acid conservation, physicochemical variation, residue mobility, and thermodynamic stability) performed at Invitae indicates that this missense variant is expected to disrupt ATP7B protein function. This variant has not been reported in the literature in individuals affected with ATP7B-related conditions. This variant is not present in population databases (gnomAD no frequency). This sequence change replaces histidine, which is basic and polar, with leucine, which is neutral and non-polar, at codon 1069 of the ATP7B protein (p.His1069Leu).

Literature cited by the submitters: PubMed 8298641; PubMed 9724794; PubMed 9887381; PubMed 18311837; PubMed 19937698; PubMed 22221592; PubMed 22240481; PubMed 22286624; PubMed 22720308; PubMed 24897373; PubMed 24909901.